The following is an entry in ClinVar:

NM_031483.7(ITCH):c.731C>T (p.Thr244Ile)

Gene: ITCH (itchy E3 ubiquitin protein ligase; plus strand). Cytogenetic location: 20q11.22.
Variant type: single nucleotide variant.
Coding change: c.731C>T on transcript NM_031483.7 (MANE Select); coding-DNA position 731, C replaced by T.
Protein change: p.Thr244Ile; replaces threonine 244 with isoleucine.
Molecular consequence: missense variant.
Genome position (GRCh38, 1-based): chr20:34,440,206, C>T. VCF-style: chr20-34440206-C-T. GRCh37 (hg19) VCF-style: chr20-33028011-C-T.
Other names: c.854C>T, p.Thr285Ile (NM_001257137.3, NM_001324197.2); c.401C>T, p.Thr134Ile (NM_001257138.3); c.731C>T, p.Thr244Ile (NM_001324198.2); short protein forms T285I, T244I, T134I.
Identifiers: ClinVar variation 971294 (VCV000971294.6), dbSNP rs1412931492, ClinGen allele CA408663038.
Genomic context (GRCh38, chr20:34,440,206, plus strand): 5'-CTTTTATAGCATCTGTCAATGGTTCACCATCTGCCACTTCTGAAAGTGATGGGTCTAGTA[C>T]AGGCTCTCTGCCGCCGACAAATACAAATACAAATACATCTGAAGGAGCAACATCTGGATT-3'
Protein context (NP_113671.3, residues 234-254): SATSESDGSS[Thr244Ile]GSLPPTNTNT

ClinVar aggregate classification (germline): Uncertain significance (1 of 4 stars; one submission).

Conditions:
Syndromic multisystem autoimmune disease due to ITCH deficiency. Also called: AUTOIMMUNE DISEASE, MULTISYSTEM, WITH FACIAL DYSMORPHISM. Identifiers: Orphanet 228426, MedGen C3150649, MONDO:0013245, OMIM 613385.

Allele frequency attached by ClinVar (database versions not stated): gnomAD exomes below 0.00001 and 0.00001.
gnomAD v4.1: 12 of 1,613,686 alleles (0.00074%); highest among the groups gnomAD compares: South Asian, 0.0011%; no homozygotes.

Submission:

Labcorp Genetics (formerly Invitae), Labcorp
Classification: Uncertain significance for Syndromic multisystem autoimmune disease due to ITCH deficiency. Last evaluated: 2022-02-24. Review status: criteria provided, single submitter. Criteria: Invitae Variant Classification Sherloc (09022015). Collection method: clinical testing. Allele origin: germline.
Comment: In summary, the available evidence is currently insufficient to determine the role of this variant in disease. Therefore, it has been classified as a Variant of Uncertain Significance. Algorithms developed to predict the effect of missense changes on protein structure and function are either unavailable or do not agree on the potential impact of this missense change (SIFT: "Not Available"; PolyPhen-2: "Benign"; Align-GVGD: "Not Available"). ClinVar contains an entry for this variant (Variation ID: 971294). This variant has not been reported in the literature in individuals affected with ITCH-related conditions. This variant is present in population databases (no rsID available, gnomAD 0.0009%). This sequence change replaces threonine, which is neutral and polar, with isoleucine, which is neutral and non-polar, at codon 244 of the ITCH protein (p.Thr244Ile).